The following is an entry in ClinVar:

ClinVar aggregate classification (germline): Uncertain significance (1 of 4 stars; one submission).

Conditions:
Neuropathy, hereditary sensory, type 2C. Also called: KIF1A-Related HSAN2 (HSAN2C); Hereditary sensory and autonomic neuropathy type IIC. Identifiers: Orphanet 970, MedGen C3280168, MONDO:0013634, OMIM 614213.
Hereditary spastic paraplegia 30. Identifiers: Orphanet 101010, MedGen C5235139, MONDO:0012476.
Intellectual disability, autosomal dominant 9 (NESCAVS). Also called: KIF1A-Related Neurodevelopmental Disorder; NESCAV SYNDROME. Identifiers: Orphanet 662367, MedGen C5393830, MONDO:0013656, OMIM 614255.

Submission:

Labcorp Genetics (formerly Invitae), Labcorp
Classification: Uncertain significance for Hereditary spastic paraplegia 30; Neuropathy, hereditary sensory, type 2C; Intellectual disability, autosomal dominant 9. Last evaluated: 2024-10-06. Review status: criteria provided, single submitter. Criteria: Invitae Variant Classification Sherloc (09022015). Collection method: clinical testing. Allele origin: germline.
Comment: This sequence change replaces valine, which is neutral and non-polar, with phenylalanine, which is neutral and non-polar, at codon 887 of the KIF1A protein (p.Val887Phe). This variant is not present in population databases (gnomAD no frequency). This variant has not been reported in the literature in individuals affected with KIF1A-related conditions. Invitae Evidence Modeling of protein sequence and biophysical properties (such as structural, functional, and spatial information, amino acid conservation, physicochemical variation, residue mobility, and thermodynamic stability) has been performed for this missense variant. However, the output from this modeling did not meet the statistical confidence thresholds required to predict the impact of this variant on KIF1A protein function. In summary, the available evidence is currently insufficient to determine the role of this variant in disease. Therefore, it has been classified as a Variant of Uncertain Significance.

NM_001244008.2(KIF1A):c.2962G>T (p.Val988Phe)

Gene: KIF1A (kinesin family member 1A; minus strand). Cytogenetic location: 2q37.3.
Variant type: single nucleotide variant.
Coding change: c.2962G>T on transcript NM_001244008.2 (MANE Select); coding-DNA position 2962, G replaced by T.
Protein change: p.Val988Phe; replaces valine 988 with phenylalanine.
Molecular consequence: missense variant.
Genome position (GRCh38, 1-based): chr2:240,750,444, C>A on the plus strand (G>T on the coding strand, the complement: KIF1A is on the minus strand). VCF-style: chr2-240750444-C-A. GRCh37 (hg19) VCF-style: chr2-241689861-C-A.
Other names: c.2686G>T, p.Val896Phe (NM_001320705.2, NM_001330289.2, NM_001379638.1); c.2761G>T, p.Val921Phe (NM_001330290.2, NM_001379634.1, NM_001379635.1 and 1 more transcripts); c.3037G>T, p.Val1013Phe (NM_001379631.1); c.2911G>T, p.Val971Phe (NM_001379632.1); c.2935G>T, p.Val979Phe (NM_001379633.1, NM_001379642.1, NM_001379645.1); c.2659G>T, p.Val887Phe (NM_001379636.1, NM_001379639.1, NM_001379640.1 and 6 more transcripts); c.2734G>T, p.Val912Phe (NM_001379637.1, NM_001379648.1); short protein forms V1013F, V887F, V896F, V912F, V921F, V971F, V979F, V988F.
Identifiers: ClinVar variation 3751178 (VCV003751178.2).